The following is an entry in ClinVar:

ClinVar aggregate classification (germline): Uncertain significance (1 of 4 stars; one submission).

gnomAD v4.1: 1 of 1,613,394 alleles (0.000062%); highest among the groups gnomAD compares: Non-Finnish European, 0.000085%; no homozygotes.

Submission:

Labcorp Genetics (formerly Invitae), Labcorp
Classification: Uncertain significance. Last evaluated: 2022-07-25. Review status: criteria provided, single submitter. Criteria: Invitae Variant Classification Sherloc (09022015). Collection method: clinical testing. Allele origin: germline.
Comment: In summary, the available evidence is currently insufficient to determine the role of this variant in disease. Therefore, it has been classified as a Variant of Uncertain Significance. Algorithms developed to predict the effect of missense changes on protein structure and function output the following: SIFT: "Tolerated"; PolyPhen-2: "Benign"; Align-GVGD: "Class C0". The threonine amino acid residue is found in multiple mammalian species, which suggests that this missense change does not adversely affect protein function. This variant has not been reported in the literature in individuals affected with KCNV2-related conditions. This variant is not present in population databases (gnomAD no frequency). This sequence change replaces methionine, which is neutral and non-polar, with threonine, which is neutral and polar, at codon 307 of the KCNV2 protein (p.Met307Thr).

NM_133497.4(KCNV2):c.920T>C (p.Met307Thr)

Gene: KCNV2 (potassium voltage-gated channel modifier subfamily V member 2; plus strand). Cytogenetic location: 9p24.2.
Variant type: single nucleotide variant.
Coding change: c.920T>C on transcript NM_133497.4 (MANE Select); coding-DNA position 920, T replaced by C.
Protein change: p.Met307Thr; replaces methionine 307 with threonine.
Molecular consequence: missense variant.
Genome position (GRCh38, 1-based): chr9:2,718,659, T>C. VCF-style: chr9-2718659-T-C. GRCh37 (hg19) VCF-style: chr9-2718659-T-C.
Other names: short protein forms M307T.
Identifiers: ClinVar variation 1973142 (VCV001973142.5), dbSNP rs201074293, ClinGen allele CA372800034.